The following is an entry in ClinVar:

ClinVar aggregate classification (germline): Uncertain significance (1 of 4 stars; one submission).

Conditions:
Aortic valve disease 2 (AOVD2). Identifiers: MedGen C3542024, MONDO:0013902, OMIM 614823.

Submission:

Labcorp Genetics (formerly Invitae), Labcorp
Classification: Uncertain significance for Aortic valve disease 2. Last evaluated: 2024-10-08. Review status: criteria provided, single submitter. Criteria: Invitae Variant Classification Sherloc (09022015). Collection method: clinical testing. Allele origin: germline.
Comment: This sequence change creates a premature translational stop signal (p.Gly8Alafs*36) in the SMAD6 gene. It is expected to result in an absent or disrupted protein product. However, the current clinical and genetic evidence is not sufficient to establish whether loss-of-function variants in SMAD6 cause disease. This variant is not present in population databases (gnomAD no frequency). This variant has not been reported in the literature in individuals affected with SMAD6-related conditions. In summary, the available evidence is currently insufficient to determine the role of this variant in disease. Therefore, it has been classified as a Variant of Uncertain Significance.

NM_005585.5(SMAD6):c.23_24del (p.Gly8fs)

Gene: SMAD6 (SMAD family member 6; plus strand). Cytogenetic location: 15q22.31.
Variant type: Deletion.
Coding change: c.23_24del on transcript NM_005585.5 (MANE Select); coding-DNA positions 23 to 24, 2 bases deleted (GG; older notation c.23_24delGG).
Protein change: p.Gly8fs; shifts the reading frame from glycine 8.
Molecular consequence: frameshift variant. On other transcripts: non-coding transcript variant (1).
Genome position (GRCh38, 1-based): chr15:66,703,281-66,703,282, GG deleted; deleting any 2 consecutive bases within chr15:66,703,279-66,703,282 gives the same sequence; the c. name uses the placement nearest the transcript's 3' end. VCF-style (leftmost placement, unchanged base first): chr15-66703278-CGG-C. GRCh37 (hg19) VCF-style: chr15-66995616-CGG-C.
Other names: short protein forms G8fs.
Identifiers: ClinVar variation 3722439 (VCV003722439.2).